The following is an entry in ClinVar:

ClinVar aggregate classification (germline): Conflicting classifications of pathogenicity. Review status: criteria provided, conflicting classifications (1 of 4 stars). 2 submissions from 2 submitters: Likely pathogenic (1); Uncertain significance (1). Last evaluated 2025-06-16.

Conditions:
Hypertrophic cardiomyopathy 1 (CMH1). Also called: Familial hypertrophic cardiomyopathy 1; MYH7-Related Familial Hypertrophic Cardiomyopathy. Identifiers: MedGen C3495498, MONDO:0008647, OMIM 192600.
Hypertrophic cardiomyopathy. Also called: HYPERTROPHIC MYOCARDIOPATHY. Identifiers: Orphanet 217569, MedGen C0007194, MeSH D002312, MONDO:0005045, HP:0001639.

Allele frequency attached by ClinVar (database versions not stated): gnomAD 0.00001.
gnomAD v4.1: 1 of 1,614,048 alleles (0.000062%); highest among the groups gnomAD compares: African/African-American, 0.0013%; no homozygotes.

Submissions (2):

Labcorp Genetics (formerly Invitae), Labcorp
Classification: Uncertain significance for Hypertrophic cardiomyopathy. Last evaluated: 2025-06-16. Review status: criteria provided, single submitter. Criteria: Invitae Variant Classification Sherloc (09022015). Collection method: clinical testing. Allele origin: germline.
Comment: This sequence change replaces asparagine, which is neutral and polar, with lysine, which is basic and polar, at codon 885 of the MYH7 protein (p.Asn885Lys). This variant is not present in population databases (gnomAD no frequency). This missense change has been observed in individual(s) with hypertrophic cardiomyopathy (PMID: 24093860, 27247418). ClinVar contains an entry for this variant (Variation ID: 217462). Invitae Evidence Modeling of protein sequence and biophysical properties (such as structural, functional, and spatial information, amino acid conservation, physicochemical variation, residue mobility, and thermodynamic stability) indicates that this missense variant is expected to disrupt MYH7 protein function with a positive predictive value of 95%. In summary, the available evidence is currently insufficient to determine the role of this variant in disease. Therefore, it has been classified as a Variant of Uncertain Significance.

Laboratory of Genetics and Molecular Cardiology, University of São Paulo
Classification: Likely pathogenic for Hypertrophic cardiomyopathy 1. Review status: criteria provided, single submitter. Criteria: LGCM Criteria August 2015. Collection method: clinical testing. Allele origin: germline. Inheritance: Autosomal dominant inheritance. Affected: yes. Observed: 1 variant allele. Study: Sarcomeric Human Cardiomyopathy Registry (ShaRe).

Literature cited by the submitters: PubMed 24093860 (cited by Labcorp Genetics (formerly Invitae), Labcorp); PubMed 27247418 (cited by Labcorp Genetics (formerly Invitae), Labcorp).

NM_000257.4(MYH7):c.2655T>A (p.Asn885Lys)

Genes: MYH7 (myosin heavy chain 7; minus strand), LOC126861898 (BRD4-independent group 4 enhancer GRCh37_chr14:23893609-23894808; plus strand). Cytogenetic location: 14q11.2.
Variant type: single nucleotide variant.
Coding change: c.2655T>A on transcript NM_000257.4 (MANE Select); coding-DNA position 2655, T replaced by A.
Protein change: p.Asn885Lys; replaces asparagine 885 with lysine.
Molecular consequence: missense variant.
Genome position (GRCh38, 1-based): chr14:23,424,793, A>T on the plus strand (T>A on the coding strand, the complement: MYH7 is on the minus strand). VCF-style: chr14-23424793-A-T. GRCh37 (hg19) VCF-style: chr14-23894002-A-T.
Other names: short protein forms N885K.
Identifiers: ClinVar variation 217462 (VCV000217462.10), dbSNP rs863225095, ClinGen allele CA279315.